The following is an entry in ClinVar:

NM_004364.5(CEBPA):c.184A>G (p.Ile62Val)

Gene: CEBPA (CCAAT enhancer binding protein alpha; minus strand). Cytogenetic location: 19q13.11.
Variant type: single nucleotide variant.
Coding change: c.184A>G on transcript NM_004364.5 (MANE Select); coding-DNA position 184, A replaced by G.
Protein change: p.Ile62Val; replaces isoleucine 62 with valine.
Molecular consequence: missense variant. On other transcripts: 5 prime UTR variant (1).
Genome position (GRCh38, 1-based): chr19:33,302,231, T>C on the plus strand (A>G on the coding strand, the complement: CEBPA is on the minus strand). VCF-style: chr19-33302231-T-C. GRCh37 (hg19) VCF-style: chr19-33793137-T-C.
Other names: c.184A>G (NM_004364.3); c.-174A>G (NM_001285829.2); c.289A>G, p.Ile97Val (NM_001287424.2); c.142A>G, p.Ile48Val (NM_001287435.2); short protein forms I62V, I48V, I97V.
Identifiers: ClinVar variation 578986 (VCV000578986.15), dbSNP rs558462037, ClinGen allele CA307844417.
Genomic context (GRCh38, chr19:33,302,231, plus strand): 5'-ACAGGTCGGCCAGGAACTCGTCGTTGAAGGCGGCCGGGTCGATGTAGGCGCTGATGTCGA[T>C]GGACGTCTCGTGCTCGCAGATGCCGCCCAGCGGCTCCGGGGCGGCAGGTGGGGCGGGAGG-3'
Protein context (NP_004355.2, residues 52-72): LGGICEHETS[Ile62Val]DISAYIDPAA

ClinVar aggregate classification (germline): Conflicting classifications of pathogenicity. Review status: criteria provided, conflicting classifications (1 of 4 stars). 5 submissions from 5 submitters: Uncertain significance (4); Likely benign (1). Last evaluated 2025-07-07.

Conditions:
Inborn genetic diseases. Identifiers: MedGen C0950123, MeSH D030342.
Acute myeloid leukemia (AML). Also called: Leukemia, acute myeloid, somatic; Leukemia, acute myelogenous, somatic; Acute myeloid leukemia, adult; AML adult; Acute non-lymphocytic leukemia; Acute granulocytic leukemia. Identifiers: Orphanet 519, MedGen C0023467, MeSH D015470, MONDO:0018874, OMIM 601626, HP:0004808. Disease mechanism: Constitutively activated FLT3.

Allele frequency attached by ClinVar (database versions not stated): gnomAD 0.00001; 1000 Genomes Project 30x 0.00016; 1000 Genomes Project 0.00020.

Submissions (5):

Labcorp Genetics (formerly Invitae), Labcorp
Classification: Uncertain significance for Acute myeloid leukemia. Last evaluated: 2025-07-07. Review status: criteria provided, single submitter. Criteria: Invitae Variant Classification Sherloc (09022015). Collection method: clinical testing. Allele origin: germline.
Comment: This sequence change replaces isoleucine, which is neutral and non-polar, with valine, which is neutral and non-polar, at codon 62 of the CEBPA protein (p.Ile62Val). This variant is not present in population databases (gnomAD no frequency). This variant has not been reported in the literature in individuals affected with CEBPA-related conditions. ClinVar contains an entry for this variant (Variation ID: 578986). Invitae Evidence Modeling of protein sequence and biophysical properties (such as structural, functional, and spatial information, amino acid conservation, physicochemical variation, residue mobility, and thermodynamic stability) indicates that this missense variant is not expected to disrupt CEBPA protein function with a negative predictive value of 80%. In summary, the available evidence is currently insufficient to determine the role of this variant in disease. Therefore, it has been classified as a Variant of Uncertain Significance.

GeneDx
Classification: Uncertain significance. Last evaluated: 2025-05-02. Review status: criteria provided, single submitter. Criteria: GeneDx Variant Classification Process June 2021. Collection method: clinical testing. Allele origin: germline. Affected: yes.
Comment: Not observed at significant frequency in large population cohorts (gnomAD); In silico analysis suggests that this missense variant does not alter protein structure/function; Has not been previously published as pathogenic or benign to our knowledge

Dasa
Classification: Likely benign. Last evaluated: 2025-01-14. Review status: criteria provided, single submitter. Criteria: DASA Assertion Criteria. Collection method: clinical testing. Allele origin: germline.
Comment: NM_004364.5(CEBPA):c.184A>G (p.Ile62Val) is a missense variant that results in the substitution of isoleucine with valine. Population frequency is inconsistent with a disease-causing role for this variant. Computational prediction algorithms are consistent with a benign effect. Therefore, based on the currently available evidence, this variant is classified as likely benign.

Ambry Genetics
Classification: Uncertain significance for Inborn genetic diseases. Last evaluated: 2024-12-18. Review status: criteria provided, single submitter. Criteria: Ambry Variant Classification Scheme 2023. Collection method: clinical testing. Allele origin: germline.
Comment: The p.I62V variant (also known as c.184A>G), located in coding exon 1 of the CEBPA gene, results from an A to G substitution at nucleotide position 184. The isoleucine at codon 62 is replaced by valine, an amino acid with highly similar properties. This amino acid position is highly conserved in available vertebrate species. In addition, this alteration is predicted to be tolerated by in silico analysis. Based on the available evidence, the clinical significance of this variant remains unclear.

Baylor Genetics
Classification: Uncertain significance for Acute myeloid leukemia. Last evaluated: 2024-02-06. Review status: criteria provided, single submitter. Criteria: ACMG Guidelines, 2015. Collection method: clinical testing. Allele origin: unknown.